The following is an entry in ClinVar:

ClinVar aggregate classification (germline): Likely pathogenic. Review status: criteria provided, multiple submitters, no conflicts (2 of 4 stars). 4 submissions from 4 submitters: Likely pathogenic (3). 1 of the submissions does not count toward it. Last evaluated 2026-03-30.

Conditions:
CFTR-related disorder (CFTR-RD). Also called: CFTR-related disorders; CFTR-related condition. Identifiers: MedGen C5924204, MONDO:7770004.
Cystic fibrosis (CF). Also called: MUCOVISCIDOSIS. Identifiers: Orphanet 586, MedGen C0010674, MONDO:0009061, OMIM 219700. Disease mechanism: loss of function.

Submissions (4):

Women's Health and Genetics/Laboratory Corporation of America, LabCorp
Classification: Likely pathogenic for Cystic fibrosis. Last evaluated: 2026-03-30. Review status: criteria provided, single submitter. Criteria: LabCorp Variant Classification Summary - May 2015. Collection method: clinical testing. Allele origin: germline.
Comment: Variant summary: CFTR c.1714G>A (p.Asp572Asn) results in a conservative amino acid change located in the ATP-binding cassette domain of the cystic fibrosis transmembrane regulator, subfamily C, domain (IPR047082) of the encoded protein sequence. Algorithms developed to predict the effect of missense changes on protein structure and function are either unavailable or do not agree on the potential impact of this missense change. The variant was absent in 250450 control chromosomes. c.1714G>A has been reported in the literature in cis with a pathogenic variant in a complex allele in 1 individual (example, Petrova_2019) and in trans with a pathogenic variant in at least 1 individual affected with Cystic Fibrosis (Verlingue_1995). At least one publication reports experimental evidence evaluating an impact on protein function. The most pronounced variant effect resulted in approximately 1.19% of normal chloride channel conductance relative to wild type (Bihler_2024). The following publications have been ascertained in the context of this evaluation (PMID: 38388235, 31245908, 7541273). ClinVar contains an entry for this variant (Variation ID: 53358). Based on the evidence outlined above, the variant was classified as likely pathogenic.

Labcorp Genetics (formerly Invitae), Labcorp
Classification: Likely pathogenic for Cystic fibrosis. Last evaluated: 2025-08-15. Review status: criteria provided, single submitter. Criteria: Invitae Variant Classification Sherloc (09022015). Collection method: clinical testing. Allele origin: germline.
Comment: This sequence change replaces aspartic acid, which is acidic and polar, with asparagine, which is neutral and polar, at codon 572 of the CFTR protein (p.Asp572Asn). This variant is not present in population databases (gnomAD no frequency). This missense change has been observed in individual(s) with cystic fibrosis (PMID: 7541273, 31245908). ClinVar contains an entry for this variant (Variation ID: 53358). Invitae Evidence Modeling of protein sequence and biophysical properties (such as structural, functional, and spatial information, amino acid conservation, physicochemical variation, residue mobility, and thermodynamic stability) indicates that this missense variant is expected to disrupt CFTR protein function with a positive predictive value of 80%. Experimental studies have shown that this missense change affects CFTR function (PMID: 1712898, 38388235). This variant disrupts the p.Asp572 amino acid residue in CFTR. Other variant(s) that disrupt this residue have been observed in individuals with CFTR-related conditions (PMID: 32539862), which suggests that this may be a clinically significant amino acid residue. In summary, the currently available evidence indicates that the variant is pathogenic, but additional data are needed to prove that conclusively. Therefore, this variant has been classified as Likely Pathogenic.

Natera, Inc.
Classification: Likely pathogenic for CFTR-related disorders. Last evaluated: 2024-09-03. Review status: criteria provided, single submitter. Criteria: Natera Variant Classification Schema (03/2026). Collection method: clinical testing. Allele origin: germline.
Comment: The c.1714G>A variant in CFTR is a missense variant predicted to cause substitution of aspartic acid to asparagine at amino acid 572. This variant is rare in the general population with a frequency below the threshold expected for the associated phenotype(s). This variant has been observed in one or more individuals affected with the associated recessive disease, as either homozygous or compound heterozygous with a second variant (PMID: 7541273). Functional studies show that this variant may disrupt protein function (PMID: 21628448, 21625534, 38388235). Computational prediction algorithms indicate this variant is likely to affect gene or protein function. Given the available evidence, this variant is classified as Likely Pathogenic.

ClinVar Staff, National Center for Biotechnology Information (NCBI)
No classification provided. Condition: CFTR-related disorders. Review status: no classification provided. Collection method: literature only. Allele origin: germline. Affected: yes. Not counted in ClinVar's aggregate classification.

Literature cited by the submitters: PubMed 31245908 (cited by Women's Health and Genetics/Laboratory Corporation of America, LabCorp and Labcorp Genetics (formerly Invitae), Labcorp); PubMed 38388235 (cited by 3 submitters); PubMed 7541273 (cited by 4 submitters); PubMed 1712898 (cited by Labcorp Genetics (formerly Invitae), Labcorp); PubMed 32539862 (cited by Labcorp Genetics (formerly Invitae), Labcorp); PubMed 21628448 (cited by Natera, Inc.); PubMed 21625534 (cited by Natera, Inc.).

NM_000492.4(CFTR):c.1714G>A (p.Asp572Asn)

Gene: CFTR (CF transmembrane conductance regulator; plus strand). Cytogenetic location: 7q31.2.
Variant type: single nucleotide variant.
Coding change: c.1714G>A on transcript NM_000492.4 (MANE Select); coding-DNA position 1714, G replaced by A.
Protein change: p.Asp572Asn; replaces aspartic acid 572 with asparagine.
Molecular consequence: missense variant.
Genome position (GRCh38, 1-based): chr7:117,590,387, G>A. VCF-style: chr7-117590387-G-A. GRCh37 (hg19) VCF-style: chr7-117230441-G-A.
Other names: short protein forms D572N.
Identifiers: ClinVar variation 53358 (VCV000053358.11), dbSNP rs397508282, ClinGen allele CA326631.
Genomic context (GRCh38, chr7:117,590,387, plus strand): 5'-TAATTTAATTTCCATTTTCTTTTTAGAGCAGTATACAAAGATGCTGATTTGTATTTATTA[G>A]ACTCTCCTTTTGGATACCTAGATGTTTTAACAGAAAAAGAAATATTTGAAAGGTATGTTC-3'
Protein context (NP_000483.3, residues 562-582): VYKDADLYLL[Asp572Asn]SPFGYLDVLT